The following is an entry in ClinVar:

ClinVar aggregate classification (germline): Likely benign (1 of 4 stars; one submission).

Allele frequency attached by ClinVar (database versions not stated): ExAC 0.00001; gnomAD exomes 0.00001; TOPMed 0.00001.
gnomAD v4.1: 9 of 1,614,206 alleles (0.00056%); highest among the groups gnomAD compares: Non-Finnish European, 0.00068%; no homozygotes.

Submission:

CeGaT Center for Human Genetics Tuebingen
Classification: Likely benign. Last evaluated: 2022-12-01. Review status: criteria provided, single submitter. Criteria: CeGaT Center For Human Genetics Tuebingen Variant Classification Criteria Version 2. Collection method: clinical testing. Allele origin: germline. Affected: yes. Observed: 1 variant allele.
Comment: TNR: BP4, BP7

NM_003285.3(TNR):c.1830T>C (p.Leu610=)

Gene: TNR (tenascin R; minus strand). Cytogenetic location: 1q25.1.
Variant type: single nucleotide variant.
Coding change: c.1830T>C on transcript NM_003285.3 (MANE Select); coding-DNA position 1830, T replaced by C.
Protein change: p.Leu610=; no amino-acid change (leucine 610 retained).
Molecular consequence: synonymous variant.
Genome position (GRCh38, 1-based): chr1:175,379,685, A>G on the plus strand (T>C on the coding strand, the complement: TNR is on the minus strand). VCF-style: chr1-175379685-A-G. GRCh37 (hg19) VCF-style: chr1-175348821-A-G.
Other names: c.831T>C, p.Leu277= (NM_001328635.2).
Identifiers: ClinVar variation 2639574 (VCV002639574.24), dbSNP rs762020704, ClinGen allele CA1255807.